The following is an entry in ClinVar:

NM_005228.5(EGFR):c.1246G>A (p.Asp416Asn)

Gene: EGFR (epidermal growth factor receptor; plus strand). Cytogenetic location: 7p11.2.
Variant type: single nucleotide variant.
Coding change: c.1246G>A on transcript NM_005228.5 (MANE Select); coding-DNA position 1246, G replaced by A.
Protein change: p.Asp416Asn; replaces aspartic acid 416 with asparagine.
Molecular consequence: missense variant.
Genome position (GRCh38, 1-based): chr7:55,157,701, G>A. VCF-style: chr7-55157701-G-A. GRCh37 (hg19) VCF-style: chr7-55225394-G-A.
Other names: c.1246G>A, p.Asp416Asn (NM_001346898.2, NM_201282.2, NM_201284.2); c.1111G>A, p.Asp371Asn (NM_001346899.2, NM_001346897.2); c.1087G>A, p.Asp363Asn (NM_001346900.2); c.445G>A, p.Asp149Asn (NM_001346941.2); short protein forms D149N, D416N, D363N, D371N.
Identifiers: ClinVar variation 1400048 (VCV001400048.8), dbSNP rs1785498858, ClinGen allele CA367579173.

ClinVar aggregate classification (germline): Uncertain significance (1 of 4 stars; one submission).

Conditions:
EGFR-related lung cancer (EGFR). Identifiers: MedGen CN130014.

Submission:

Labcorp Genetics (formerly Invitae), Labcorp
Classification: Uncertain significance for EGFR-related lung cancer. Last evaluated: 2021-02-01. Review status: criteria provided, single submitter. Criteria: Invitae Variant Classification Sherloc (09022015). Collection method: clinical testing. Allele origin: germline.
Comment: Algorithms developed to predict the effect of missense changes on protein structure and function (SIFT, PolyPhen-2, Align-GVGD) all suggest that this variant is likely to be tolerated, but these predictions have not been confirmed by published functional studies and their clinical significance is uncertain. This variant has not been reported in the literature in individuals with EGFR-related conditions. This variant is not present in population databases (ExAC no frequency). This sequence change replaces aspartic acid with asparagine at codon 416 of the EGFR protein (p.Asp416Asn). The aspartic acid residue is moderately conserved and there is a small physicochemical difference between aspartic acid and asparagine. In summary, the available evidence is currently insufficient to determine the role of this variant in disease. Therefore, it has been classified as a Variant of Uncertain Significance.